The following is an entry in ClinVar:

NM_022168.4(IFIH1):c.755C>A (p.Ser252Tyr)

Gene: IFIH1 (interferon induced with helicase C domain 1; minus strand). Cytogenetic location: 2q24.2.
Variant type: single nucleotide variant.
Coding change: c.755C>A on transcript NM_022168.4 (MANE Select); coding-DNA position 755, C replaced by A.
Protein change: p.Ser252Tyr; replaces serine 252 with tyrosine.
Molecular consequence: missense variant.
Genome position (GRCh38, 1-based): chr2:162,306,723, G>T on the plus strand (C>A on the coding strand, the complement: IFIH1 is on the minus strand). VCF-style: chr2-162306723-G-T. GRCh37 (hg19) VCF-style: chr2-163163233-G-T.
Other names: short protein forms S252Y.
Identifiers: ClinVar variation 1399647 (VCV001399647.6), dbSNP rs370138586, ClinGen allele CA1934726.

ClinVar aggregate classification (germline): Uncertain significance (1 of 4 stars; one submission).

Conditions:
Aicardi-Goutieres syndrome 7 (AGS7). Identifiers: Orphanet 51, MedGen C3888244, MONDO:0014367, OMIM 615846.
Singleton-Merten syndrome 1 (SGMRT1). Also called: Widened medullary cavities of bone, aortic calcification, abnormal dentition, and muscular weakness; Syndrome of widened medullary cavities of the metacarpals and phalanges, aortic calcification and abnormal dentition. Identifiers: Orphanet 85191, MedGen C4225427, MONDO:0024535, OMIM 182250.

Allele frequency attached by ClinVar (database versions not stated): gnomAD exomes 0.00001; ExAC 0.00001; gnomAD 0.00001; ESP Exome Variant Server 0.00008; TOPMed 0.00005.
gnomAD v4.1: 1 of 1,613,662 alleles (0.000062%); highest among the groups gnomAD compares: Non-Finnish European, 0.000085%; no homozygotes.

Submission:

Labcorp Genetics (formerly Invitae), Labcorp
Classification: Uncertain significance for Aicardi-Goutieres syndrome 7; Singleton-Merten syndrome 1. Last evaluated: 2026-01-01. Review status: criteria provided, single submitter. Criteria: Invitae Variant Classification Sherloc (09022015). Collection method: clinical testing. Allele origin: germline.
Comment: This sequence change replaces serine, which is neutral and polar, with tyrosine, which is neutral and polar, at codon 252 of the IFIH1 protein (p.Ser252Tyr). This variant is present in population databases (rs370138586, gnomAD 0.007%). This variant has not been reported in the literature in individuals affected with IFIH1-related conditions. ClinVar contains an entry for this variant (Variation ID: 1399647). Invitae Evidence Modeling of protein sequence and biophysical properties (such as structural, functional, and spatial information, amino acid conservation, physicochemical variation, residue mobility, and thermodynamic stability) has been performed for this missense variant. However, the output from this modeling did not meet the statistical confidence thresholds required to predict the impact of this variant on IFIH1 protein function. In summary, the available evidence is currently insufficient to determine the role of this variant in disease. Therefore, it has been classified as a Variant of Uncertain Significance.